The following is an entry in ClinVar:

NM_031308.4(EPPK1):c.3372C>T (p.Thr1124=)

Gene: EPPK1 (epiplakin 1; minus strand). Cytogenetic location: 8q24.3.
Variant type: single nucleotide variant.
Coding change: c.3372C>T on transcript NM_031308.4 (MANE Select); coding-DNA position 3372, C replaced by T.
Protein change: p.Thr1124=; no amino-acid change (threonine 1124 retained).
Molecular consequence: synonymous variant.
Genome position (GRCh38, 1-based): chr8:143,869,882, G>A on the plus strand (C>T on the coding strand, the complement: EPPK1 is on the minus strand). VCF-style: chr8-143869882-G-A. GRCh37 (hg19) VCF-style: chr8-144944050-G-A.
Identifiers: ClinVar variation 3045427 (VCV003045427.2), dbSNP rs142067632, ClinGen allele CA4922796.

ClinVar aggregate classification (germline): Likely benign (0 of 4 stars; one submission).

Conditions:
EPPK1-related disorder. Also called: EPPK1-related condition.

Allele frequency attached by ClinVar (database versions not stated): ExAC 0.00206; 1000 Genomes Project 0.00300; 1000 Genomes Project 30x 0.00312.
gnomAD v4.1: 612 of 1,606,680 alleles (0.038%); highest among the groups gnomAD compares: East Asian, 1.1%; 5 homozygotes.

Submission:

PreventionGenetics, part of Exact Sciences
Classification: Likely benign for EPPK1-related condition. Last evaluated: 2022-03-18. Review status: no assertion criteria provided. Collection method: clinical testing. Allele origin: germline.
Comment: This variant is classified as likely benign based on ACMG/AMP sequence variant interpretation guidelines (Richards et al. 2015 PMID: 25741868, with internal and published modifications).